The following is an entry in ClinVar:

ClinVar aggregate classification (germline): Benign/Likely benign. Review status: criteria provided, multiple submitters, no conflicts (2 of 4 stars). 11 submissions from 11 submitters: Benign (2); Likely benign (4). 5 of the submissions do not count toward it. Last evaluated 2026-02-01.

Conditions:
Familial acute necrotizing encephalopathy (IIAE3). Also called: ENCEPHALOPATHY, ACUTE, INFECTION-INDUCED, SUSCEPTIBILITY TO, 3; Susceptibility to Acute Necrotizing Encephalopathy 1. Identifiers: Orphanet 88619, MedGen C2675556, MONDO:0011953, OMIM 608033.

Allele frequency attached by ClinVar (database versions not stated): gnomAD 0.00061; TOPMed 0.00115; 1000 Genomes Project 0.00140; ESP Exome Variant Server 0.00154; 1000 Genomes Project 30x 0.00156; ExAC 0.00272; gnomAD exomes 0.00281.
gnomAD v4.1: 2,576 of 1,612,012 alleles (0.16%); highest among the groups gnomAD compares: Middle Eastern, 1.2%; 26 homozygotes.

Submissions (11):

CeGaT Center for Human Genetics Tuebingen
Classification: Likely benign. Last evaluated: 2026-02-01. Review status: criteria provided, single submitter. Criteria: CeGaT Center For Human Genetics Tuebingen Variant Classification Criteria Version 2. Collection method: clinical testing. Allele origin: germline. Affected: yes. Observed: 4 variant alleles.
Comment: RANBP2: BP4, BS1

Labcorp Genetics (formerly Invitae), Labcorp
Classification: Benign for Familial acute necrotizing encephalopathy. Last evaluated: 2024-10-21. Review status: criteria provided, single submitter. Criteria: Invitae Variant Classification Sherloc (09022015). Collection method: clinical testing. Allele origin: germline.

Fulgent Genetics
Classification: Likely benign for Familial acute necrotizing encephalopathy. Last evaluated: 2022-04-07. Review status: criteria provided, single submitter. Criteria: ACMG Guidelines, 2015. Collection method: clinical testing. Allele origin: unknown.

Department of Pathology and Laboratory Medicine, Sinai Health System
Classification: Benign for Familial acute necrotizing encephalopathy. Last evaluated: 2020-08-24. Review status: criteria provided, single submitter. Criteria: ACMG Guidelines, 2015. Collection method: research. Allele origin: germline.

GeneDx
Classification: Likely benign. Last evaluated: 2016-02-10. Review status: criteria provided, single submitter. Criteria: GeneDx Variant Classification (06012015). Collection method: clinical testing. Allele origin: germline. Affected: yes.
Comment: This variant is considered likely benign or benign based on one or more of the following criteria: it is a conservative change, it occurs at a poorly conserved position in the protein, it is predicted to be benign by multiple in silico algorithms, and/or has population frequency not consistent with disease.

Breakthrough Genomics
Classification: Likely benign. Review status: criteria provided, single submitter. Criteria: ACMG Guidelines, 2015. Collection method: not provided. Allele origin: germline. Inheritance: Autosomal dominant inheritance. Affected: yes.

Kamineni Academy of Medical Sciences & Research Centre, Kamineni Hospitals
Classification: Likely pathogenic for Familial acute necrotizing encephalopathy. Last evaluated: 2016-10-28. Review status: no assertion criteria provided. Collection method: clinical testing. Allele origin: paternal. Affected: yes. Observed: 2 variant alleles. Not counted in ClinVar's aggregate classification.

Clinical Genetics DNA and cytogenetics Diagnostics Lab, Erasmus MC, Erasmus Medical Center
Classification: Likely benign. Review status: no assertion criteria provided. Collection method: clinical testing. Allele origin: germline. Affected: yes. Study: VKGL Data-share Consensus. Not counted in ClinVar's aggregate classification.

Diagnostic Laboratory, Department of Genetics, University Medical Center Groningen
Classification: Likely benign. Review status: no assertion criteria provided. Collection method: clinical testing. Allele origin: germline. Affected: yes. Study: VKGL Data-share Consensus. Not counted in ClinVar's aggregate classification.

Genome Diagnostics Laboratory, University Medical Center Utrecht
Classification: Likely benign. Review status: no assertion criteria provided. Collection method: clinical testing. Allele origin: germline. Affected: yes. Study: VKGL Data-share Consensus. Not counted in ClinVar's aggregate classification.

Laboratory of Diagnostic Genome Analysis, Leiden University Medical Center (LUMC)
Classification: Likely benign. Review status: no assertion criteria provided. Collection method: clinical testing. Allele origin: germline. Affected: yes. Study: VKGL Data-share Consensus. Not counted in ClinVar's aggregate classification.

Literature cited by the submitters: PubMed 2759111 (cited by Kamineni Academy of Medical Sciences & Research Centre, Kamineni Hospitals); PubMed 19118815 (cited by Kamineni Academy of Medical Sciences & Research Centre, Kamineni Hospitals).

NM_006267.5(RANBP2):c.7499C>T (p.Thr2500Ile)

Gene: RANBP2 (RAN binding protein 2; plus strand). Cytogenetic location: 2q13.
Variant type: single nucleotide variant.
Coding change: c.7499C>T on transcript NM_006267.5 (MANE Select); coding-DNA position 7499, C replaced by T.
Protein change: p.Thr2500Ile; replaces threonine 2500 with isoleucine.
Molecular consequence: missense variant.
Genome position (GRCh38, 1-based): chr2:108,768,038, C>T. VCF-style: chr2-108768038-C-T. GRCh37 (hg19) VCF-style: chr2-109384494-C-T.
Other names: short protein forms T2500I.
Identifiers: ClinVar variation 380569 (VCV000380569.47), dbSNP rs140280672, ClinGen allele CA1823605.
Genomic context (GRCh38, chr2:108,768,038, plus strand): 5'-CAGATGTTATTCAGGGTGATGATGTAGCAGATGCAACTTCAGAAGTTGAAGTGTCTAGCA[C>T]ATCTGAAACAACACCAAAAGCAGTGGTTTCTCCTCCAAAGTTTGTATTTGGTTCAGAGTC-3'
Protein context (NP_006258.3, residues 2490-2510): DATSEVEVSS[Thr2500Ile]SETTPKAVVS